The following is an entry in ClinVar:

NM_001032283.3(TMPO):c.565+2169A>G

Gene: TMPO (thymopoietin; plus strand). Cytogenetic location: 12q23.1.
Variant type: single nucleotide variant.
Coding change: c.565+2169A>G on transcript NM_001032283.3 (MANE Select); 2169 bases into the intron after coding-DNA position 565, A replaced by G.
Molecular consequence: intron variant. On other transcripts: missense variant (1).
Genome position (GRCh38, 1-based): chr12:98,534,007, A>G. VCF-style: chr12-98534007-A-G. GRCh37 (hg19) VCF-style: chr12-98927785-A-G.
Other names: c.1750A>G, p.Thr584Ala (NM_003276.2); c.565+2169A>G (NM_001307975.2, NM_001032284.3); short protein forms T584A.
Identifiers: ClinVar variation 2043258 (VCV002043258.5), dbSNP rs768195224, ClinGen allele CA6732474.

ClinVar aggregate classification (germline): Uncertain significance. Review status: criteria provided, multiple submitters, no conflicts (2 of 4 stars). 2 submissions from 2 submitters: Uncertain significance (2). Last evaluated 2025-02-17.

Conditions:
Loeys-Dietz syndrome 2 (LDS2). Also called: TGFBR2-Related Loeys-Dietz Syndrome; AORTIC ANEURYSM, FAMILIAL THORACIC 3; MARFAN SYNDROME, TYPE II; Marfan syndrome, type 2 (formerly); Marfan Syndrome type 2; Marfan like connective tissue disorder. Identifiers: Orphanet 284973, Orphanet 558, MedGen C2674574, MONDO:0012427, OMIM 610168.

Allele frequency attached by ClinVar (database versions not stated): TOPMed below 0.00001; gnomAD exomes 0.00001; ExAC 0.00002.
gnomAD v4.1: 11 of 1,607,584 alleles (0.00068%); highest among the groups gnomAD compares: Admixed American, 0.005%; no homozygotes.

Submissions (2):

Labcorp Genetics (formerly Invitae), Labcorp
Classification: Uncertain significance for Loeys-Dietz syndrome 2. Last evaluated: 2025-02-17. Review status: criteria provided, single submitter. Criteria: Invitae Variant Classification Sherloc (09022015). Collection method: clinical testing. Allele origin: germline.
Comment: This sequence change replaces threonine, which is neutral and polar, with alanine, which is neutral and non-polar, at codon 584 of the TMPO protein (p.Thr584Ala). This variant is present in population databases (rs768195224, gnomAD 0.009%). This variant has not been reported in the literature in individuals affected with TMPO-related conditions. ClinVar contains an entry for this variant (Variation ID: 2043258). Invitae Evidence Modeling of protein sequence and biophysical properties (such as structural, functional, and spatial information, amino acid conservation, physicochemical variation, residue mobility, and thermodynamic stability) indicates that this missense variant is not expected to disrupt TMPO protein function with a negative predictive value of 80%. In summary, the available evidence is currently insufficient to determine the role of this variant in disease. Therefore, it has been classified as a Variant of Uncertain Significance.

GeneDx
Classification: Uncertain significance. Last evaluated: 2024-04-15. Review status: criteria provided, single submitter. Criteria: GeneDx Variant Classification Process June 2021. Collection method: clinical testing. Allele origin: germline. Affected: yes.
Comment: Has not been previously published as pathogenic or benign to our knowledge; Not observed at significant frequency in large population cohorts (gnomAD); In silico analysis indicates that this missense variant does not alter protein structure/function